The following is an entry in ClinVar:

NM_199242.3(UNC13D):c.1026G>C (p.Lys342Asn)

Gene: UNC13D (unc-13 homolog D; minus strand). Cytogenetic location: 17q25.1.
Variant type: single nucleotide variant.
Coding change: c.1026G>C on transcript NM_199242.3 (MANE Select); coding-DNA position 1026, G replaced by C.
Protein change: p.Lys342Asn; replaces lysine 342 with asparagine.
Molecular consequence: missense variant.
Genome position (GRCh38, 1-based): chr17:75,839,868, C>G on the plus strand (G>C on the coding strand, the complement: UNC13D is on the minus strand). VCF-style: chr17-75839868-C-G. GRCh37 (hg19) VCF-style: chr17-73835949-C-G.
Other names: short protein forms K342N.
Identifiers: ClinVar variation 2977932 (VCV002977932.1), dbSNP rs2064934958, ClinGen allele CA401106190.
Genomic context (GRCh38, chr17:75,839,868, plus strand): 5'-TCAGGGGTTCTGCCCAGGGCTGTGTACTCACGCCATGGACTGGTGGAAGTCGGATAGGTC[C>G]TTCTGTGTGGCGTGCAGAAAGAGGACGGTGGCAGCCTGGGGACTCAGCGACCCGTCCCAG-3'
Protein context (NP_954712.1, residues 332-352): ATVLFLHATQ[Lys342Asn]DLSDFHQSMA

ClinVar aggregate classification (germline): Uncertain significance (1 of 4 stars; one submission).

Conditions:
Familial hemophagocytic lymphohistiocytosis 3 (FHL3). Also called: UNC13D-Related Familial Hemophagocytic Lymphohistiocytosis (UNC13D-fHLH). Identifiers: Orphanet 540, MedGen C1837174, MONDO:0012146, OMIM 608898.

Allele frequency attached by ClinVar (database versions not stated): gnomAD exomes below 0.00001.
gnomAD v4.1: 7 of 1,613,938 alleles (0.00043%); highest among the groups gnomAD compares: Non-Finnish European, 0.00051%; no homozygotes.

Submission:

Labcorp Genetics (formerly Invitae), Labcorp
Classification: Uncertain significance for Familial hemophagocytic lymphohistiocytosis 3. Last evaluated: 2023-12-11. Review status: criteria provided, single submitter. Criteria: Invitae Variant Classification Sherloc (09022015). Collection method: clinical testing. Allele origin: germline.
Comment: This sequence change replaces lysine, which is basic and polar, with asparagine, which is neutral and polar, at codon 342 of the UNC13D protein (p.Lys342Asn). This variant is not present in population databases (gnomAD no frequency). This variant has not been reported in the literature in individuals affected with UNC13D-related conditions. Advanced modeling of protein sequence and biophysical properties (such as structural, functional, and spatial information, amino acid conservation, physicochemical variation, residue mobility, and thermodynamic stability) performed at Invitae indicates that this missense variant is not expected to disrupt UNC13D protein function with a negative predictive value of 80%. In summary, the available evidence is currently insufficient to determine the role of this variant in disease. Therefore, it has been classified as a Variant of Uncertain Significance.